The following is an entry in ClinVar:

NM_213599.3(ANO5):c.363G>A (p.Arg121=)

Gene: ANO5 (anoctamin 5; plus strand). Cytogenetic location: 11p14.3.
Variant type: single nucleotide variant.
Coding change: c.363G>A on transcript NM_213599.3 (MANE Select); coding-DNA position 363, G replaced by A.
Protein change: p.Arg121=; no amino-acid change (arginine 121 retained).
Molecular consequence: synonymous variant.
Genome position (GRCh38, 1-based): chr11:22,226,052, G>A. VCF-style: chr11-22226052-G-A. GRCh37 (hg19) VCF-style: chr11-22247598-G-A.
Other names: c.360G>A, p.Arg120= (NM_001142649.2); c.321G>A, p.Arg107= (NM_001410963.1); c.318G>A, p.Arg106= (NM_001410964.1).
Identifiers: ClinVar variation 1958653 (VCV001958653.5), dbSNP rs2494142079, ClinGen allele CA473402078.
Genomic context (GRCh38, chr11:22,226,052, plus strand): 5'-AAAAGAGTTTGAAACTAATCTCAGAAAAACAGGTCTTGAGTTGGAAATAGAAGACAAAAG[G>A]GTAAATGTAGTTGATAATTTATACAAGCCTCTTTAATTTAAGTGTTGTTTTCTCCTACTC-3'
Protein context (NP_998764.1, residues 111-131): TGLELEIEDK[Arg121=]DSEDGRTYFV

ClinVar aggregate classification (germline): Uncertain significance (1 of 4 stars; one submission).

Conditions:
Gnathodiaphyseal dysplasia (GDD). Also called: GNATHODIAPHYSEAL SCLEROSIS; OSTEOGENESIS IMPERFECTA WITH UNUSUAL SKELETAL LESIONS. Identifiers: Orphanet 53697, MedGen C1833736, MONDO:0008151, OMIM 166260.
Autosomal recessive limb-girdle muscular dystrophy type 2L (LGMDR12). Also called: Limb-Girdle Muscular Dystrophy R12 Anoctamin-5-Related (LGMD-R12); MUSCULAR DYSTROPHY, LIMB-GIRDLE, AUTOSOMAL RECESSIVE 12; Limb-girdle muscular dystrophy, type 2L. Identifiers: Orphanet 206549, MedGen C1969785, MONDO:0012652, OMIM 611307.

Allele frequency attached by ClinVar (database versions not stated): gnomAD exomes below 0.00001.
gnomAD v4.1: 1 of 1,598,840 alleles (0.000063%); highest among the groups gnomAD compares: Admixed American, 0.0017%; no homozygotes.

Submission:

Labcorp Genetics (formerly Invitae), Labcorp
Classification: Uncertain significance for Autosomal recessive limb-girdle muscular dystrophy type 2L; Gnathodiaphyseal dysplasia. Last evaluated: 2022-04-25. Review status: criteria provided, single submitter. Criteria: Invitae Variant Classification Sherloc (09022015). Collection method: clinical testing. Allele origin: germline.
Comment: In summary, the available evidence is currently insufficient to determine the role of this variant in disease. Therefore, it has been classified as a Variant of Uncertain Significance. Variants that disrupt the consensus splice site are a relatively common cause of aberrant splicing (PMID: 17576681, 9536098). Algorithms developed to predict the effect of sequence changes on RNA splicing suggest that this variant may disrupt the consensus splice site. This variant has not been reported in the literature in individuals affected with ANO5-related conditions. This variant is not present in population databases (gnomAD no frequency). This sequence change affects codon 121 of the ANO5 mRNA. It is a 'silent' change, meaning that it does not change the encoded amino acid sequence of the ANO5 protein. This variant also falls at the last nucleotide of exon 6, which is part of the consensus splice site for this exon.

Literature cited by the submitters: PubMed 17576681; PubMed 9536098.